The following is an entry in ClinVar:

NM_004999.4(MYO6):c.1945-1G>A

Gene: MYO6 (myosin VI; plus strand). Cytogenetic location: 6q14.1.
Variant type: single nucleotide variant.
Coding change: c.1945-1G>A on transcript NM_004999.4 (MANE Select); the canonical splice acceptor site of the intron before coding-DNA position 1945, G replaced by A.
Molecular consequence: splice acceptor variant.
Genome position (GRCh38, 1-based): chr6:75,870,646, G>A. VCF-style: chr6-75870646-G-A. GRCh37 (hg19) VCF-style: chr6-76580363-G-A.
Other names: c.1945-1G>A (NM_001368865.1, NM_001368866.1, NM_001368137.1 and 2 more transcripts); c.1930-1G>A (NM_001368138.1).
Identifiers: ClinVar variation 3680363 (VCV003680363.2).
Genomic context (GRCh38, chr6:75,870,646, plus strand): 5'-ACTCATGACACTGTGTACTTTGGCTTTTTGAAATAATAAACTGATTTCCTTTCTTTCACA[G>A]ACACAGTTAAATTTGCTTCTGGATAAACTTCGAAGTACTGTGAGTATGCTTAAAAAGAAA-3'

ClinVar aggregate classification (germline): Likely pathogenic (1 of 4 stars; one submission).

Submission:

Labcorp Genetics (formerly Invitae), Labcorp
Classification: Likely pathogenic. Last evaluated: 2024-10-22. Review status: criteria provided, single submitter. Criteria: Invitae Variant Classification Sherloc (09022015). Collection method: clinical testing. Allele origin: germline.
Comment: This sequence change affects an acceptor splice site in intron 18 of the MYO6 gene. It is expected to disrupt RNA splicing. Variants that disrupt the donor or acceptor splice site typically lead to a loss of protein function (PMID: 16199547), and loss-of-function variants in MYO6 are known to be pathogenic (PMID: 12687499, 18348273, 23767834, 25999546, 30582396). This variant is not present in population databases (gnomAD no frequency). This variant has not been reported in the literature in individuals affected with MYO6-related conditions. Algorithms developed to predict the effect of sequence changes on RNA splicing suggest that this variant may disrupt the consensus splice site. In summary, the currently available evidence indicates that the variant is pathogenic, but additional data are needed to prove that conclusively. Therefore, this variant has been classified as Likely Pathogenic.

Literature cited by the submitters: PubMed 16199547; PubMed 12687499; PubMed 18348273; PubMed 23767834; PubMed 25999546; PubMed 30582396.